The following is an entry in ClinVar:

NM_004422.3(DVL2):c.24C>T (p.Gly8=)

Gene: DVL2 (dishevelled segment polarity protein 2; minus strand). Cytogenetic location: 17p13.1.
Variant type: single nucleotide variant.
Coding change: c.24C>T on transcript NM_004422.3 (MANE Select); coding-DNA position 24, C replaced by T.
Protein change: p.Gly8=; no amino-acid change (glycine 8 retained).
Molecular consequence: synonymous variant.
Genome position (GRCh38, 1-based): chr17:7,234,239, G>A on the plus strand (C>T on the coding strand, the complement: DVL2 is on the minus strand). VCF-style: chr17-7234239-G-A. GRCh37 (hg19) VCF-style: chr17-7137558-G-A.
Identifiers: ClinVar variation 3046093 (VCV003046093.2), dbSNP rs146467021, ClinGen allele CA8339146.

ClinVar aggregate classification (germline): Likely benign (0 of 4 stars; one submission).

Conditions:
DVL2-related disorder. Also called: DVL2-related condition.

Allele frequency attached by ClinVar (database versions not stated): 1000 Genomes Project 0.00020; ExAC 0.00035; TOPMed 0.00046; gnomAD 0.00049; ESP Exome Variant Server 0.00054; gnomAD exomes 0.00077.
gnomAD v4.1: 978 of 1,336,952 alleles (0.073%); highest among the groups gnomAD compares: Non-Finnish European, 0.091%; 2 homozygotes.

Submission:

PreventionGenetics, part of Exact Sciences
Classification: Likely benign for DVL2-related condition. Last evaluated: 2019-11-13. Review status: no assertion criteria provided. Collection method: clinical testing. Allele origin: germline.
Comment: This variant is classified as likely benign based on ACMG/AMP sequence variant interpretation guidelines (Richards et al. 2015 PMID: 25741868, with internal and published modifications).